The following is an entry in ClinVar:

ClinVar aggregate classification (germline): Uncertain significance. Review status: criteria provided, multiple submitters, no conflicts (2 of 4 stars). 3 submissions from 3 submitters: Uncertain significance (2). 1 of the submissions does not count toward it. Last evaluated 2022-04-12.

Conditions:
Peroxisome biogenesis disorder 4A (Zellweger) (PBD4A). Also called: Zellweger syndrome spectrum (PEX6-related). Identifiers: Orphanet 912, MedGen C3553936, MONDO:0013930, OMIM 614862. Disease mechanism: loss of function.
Peroxisome biogenesis disorder 4B (PBD4B). Also called: SPINOCEREBELLAR ATAXIA WITH BLINDNESS AND DEAFNESS 1. Identifiers: Orphanet 44, Orphanet 95433, MedGen C3553937, MONDO:0013931, OMIM 614863.
Peroxisome biogenesis disorder. Identifiers: Orphanet 79189, MedGen C1832200, MONDO:0019234. Disease mechanism: loss of function.

Allele frequency attached by ClinVar (database versions not stated): gnomAD exomes below 0.00001.
gnomAD v4.1: 3 of 1,614,138 alleles (0.00019%); highest among the groups gnomAD compares: Middle Eastern, 0.016%; no homozygotes.

Submissions (3):

Labcorp Genetics (formerly Invitae), Labcorp
Classification: Uncertain significance for Peroxisome biogenesis disorder. Last evaluated: 2022-04-12. Review status: criteria provided, single submitter. Criteria: Invitae Variant Classification Sherloc (09022015). Collection method: clinical testing. Allele origin: germline.
Comment: This sequence change replaces alanine, which is neutral and non-polar, with threonine, which is neutral and polar, at codon 240 of the PEX6 protein (p.Ala240Thr). This variant is not present in population databases (gnomAD no frequency). This variant has not been reported in the literature in individuals affected with PEX6-related conditions. ClinVar contains an entry for this variant (Variation ID: 356803). Algorithms developed to predict the effect of missense changes on protein structure and function (SIFT, PolyPhen-2, Align-GVGD) all suggest that this variant is likely to be tolerated. In summary, the available evidence is currently insufficient to determine the role of this variant in disease. Therefore, it has been classified as a Variant of Uncertain Significance.

Illumina Laboratory Services, Illumina
Classification: Uncertain significance for Peroxisome biogenesis disorder 4A (Zellweger). Last evaluated: 2018-01-12. Review status: criteria provided, single submitter. Criteria: ICSL Variant Classification Criteria 13 December 2019. Collection method: clinical testing. Allele origin: germline.

Counsyl
Classification: Uncertain significance for Peroxisome biogenesis disorder 4A (Zellweger); Peroxisome biogenesis disorder 4B. Last evaluated: 2017-12-22. Review status: no assertion criteria provided. Collection method: clinical testing. Allele origin: unknown. Not counted in ClinVar's aggregate classification.

NM_000287.4(PEX6):c.718G>A (p.Ala240Thr)

Gene: PEX6 (peroxisomal biogenesis factor 6; minus strand). Cytogenetic location: 6p21.1.
Variant type: single nucleotide variant.
Coding change: c.718G>A on transcript NM_000287.4 (MANE Select); coding-DNA position 718, G replaced by A.
Protein change: p.Ala240Thr; replaces alanine 240 with threonine.
Molecular consequence: missense variant. On other transcripts: non-coding transcript variant (1), intron variant (1).
Genome position (GRCh38, 1-based): chr6:42,978,433, C>T on the plus strand (G>A on the coding strand, the complement: PEX6 is on the minus strand). VCF-style: chr6-42978433-C-T. GRCh37 (hg19) VCF-style: chr6-42946171-C-T.
Other names: c.618+100G>A (NM_001316313.2); short protein forms A240T.
Identifiers: ClinVar variation 356803 (VCV000356803.7), dbSNP rs886061412, ClinGen allele CA10622119.